The following is an entry in ClinVar:

ClinVar aggregate classification (germline): Uncertain significance (1 of 4 stars; one submission).

Allele frequency attached by ClinVar (database versions not stated): gnomAD exomes 0.00002 and 0.00003; ExAC 0.00004.
gnomAD v4.1: 32 of 1,613,486 alleles (0.002%); highest among the groups gnomAD compares: South Asian, 0.034%; no homozygotes.

Submission:

Labcorp Genetics (formerly Invitae), Labcorp
Classification: Uncertain significance. Last evaluated: 2021-03-23. Review status: criteria provided, single submitter. Criteria: Invitae Variant Classification Sherloc (09022015). Collection method: clinical testing. Allele origin: germline.
Comment: This sequence change replaces lysine with isoleucine at codon 419 of the PCLO protein (p.Lys419Ile). The lysine residue is weakly conserved and there is a moderate physicochemical difference between lysine and isoleucine. This variant is present in population databases (rs750039199, ExAC 0.03%). This variant has not been reported in the literature in individuals with PCLO-related conditions. Algorithms developed to predict the effect of missense changes on protein structure and function are either unavailable or do not agree on the potential impact of this missense change (SIFT: "Deleterious"; PolyPhen-2: "Possibly Damaging"; Align-GVGD: "Class C0"). In summary, the available evidence is currently insufficient to determine the role of this variant in disease. Therefore, it has been classified as a Variant of Uncertain Significance.

NM_033026.6(PCLO):c.1256A>T (p.Lys419Ile)

Gene: PCLO (piccolo presynaptic cytomatrix protein; minus strand). Cytogenetic location: 7q21.11.
Variant type: single nucleotide variant.
Coding change: c.1256A>T on transcript NM_033026.6 (MANE Select); coding-DNA position 1256, A replaced by T.
Protein change: p.Lys419Ile; replaces lysine 419 with isoleucine.
Molecular consequence: missense variant.
Genome position (GRCh38, 1-based): chr7:83,155,385, T>A on the plus strand (A>T on the coding strand, the complement: PCLO is on the minus strand). VCF-style: chr7-83155385-T-A. GRCh37 (hg19) VCF-style: chr7-82784701-T-A.
Other names: c.1256A>T, p.Lys419Ile (NM_014510.3); short protein forms K419I.
Identifiers: ClinVar variation 1392905 (VCV001392905.8), dbSNP rs750039199, ClinGen allele CA4321491.
Genomic context (GRCh38, chr7:83,155,385, plus strand): 5'-GTCTTTGTAGGCCCAGGTGCCTTAGCTGGAGACTGTAGCCCAGGTTGTTGAGCTAGGGGT[T>A]TTGGTGTCCCCACCTGCTGGGTTGGAGGCTTTGCTGGCCCTGGCTGTTGAGCTGGAGTCT-3'
Protein context (NP_149015.2, residues 409-429): KPPTQQVGTP[Lys419Ile]PLAQQPGLQS